The following is an entry in ClinVar:

NM_004104.5(FASN):c.5423G>A (p.Arg1808Gln)

Gene: FASN (fatty acid synthase; minus strand). Cytogenetic location: 17q25.3.
Variant type: single nucleotide variant.
Coding change: c.5423G>A on transcript NM_004104.5 (MANE Select); coding-DNA position 5423, G replaced by A.
Protein change: p.Arg1808Gln; replaces arginine 1808 with glutamine.
Molecular consequence: missense variant.
Genome position (GRCh38, 1-based): chr17:82,083,344, C>T on the plus strand (G>A on the coding strand, the complement: FASN is on the minus strand). VCF-style: chr17-82083344-C-T. GRCh37 (hg19) VCF-style: chr17-80041220-C-T.
Other names: short protein forms R1808Q.
Identifiers: ClinVar variation 859185 (VCV000859185.10), dbSNP rs151134760, ClinGen allele CA8851693.

ClinVar aggregate classification (germline): Conflicting classifications of pathogenicity. Review status: criteria provided, conflicting classifications (1 of 4 stars). 2 submissions from 2 submitters: Uncertain significance (1); Likely benign (1). Last evaluated 2025-04-14.

Conditions:
Epileptic encephalopathy. Identifiers: MedGen C0543888, HP:0200134.

Allele frequency attached by ClinVar (database versions not stated): gnomAD exomes 0.00002 and 0.00003; ExAC 0.00001; gnomAD 0.00003; TOPMed 0.00006; ESP Exome Variant Server 0.00008.
gnomAD v4.1: 51 of 1,612,688 alleles (0.0032%); highest among the groups gnomAD compares: African/African-American, 0.0093%; no homozygotes.

Submissions (2):

Labcorp Genetics (formerly Invitae), Labcorp
Classification: Uncertain significance for Epileptic encephalopathy. Last evaluated: 2025-04-14. Review status: criteria provided, single submitter. Criteria: Invitae Variant Classification Sherloc (09022015). Collection method: clinical testing. Allele origin: germline.
Comment: This sequence change replaces arginine, which is basic and polar, with glutamine, which is neutral and polar, at codon 1808 of the FASN protein (p.Arg1808Gln). This variant is present in population databases (rs151134760, gnomAD 0.008%). This variant has not been reported in the literature in individuals affected with FASN-related conditions. ClinVar contains an entry for this variant (Variation ID: 859185). An algorithm developed to predict the effect of missense changes on protein structure and function outputs the following: PolyPhen-2: "Benign". The glutamine amino acid residue is found in multiple mammalian species, which suggests that this missense change does not adversely affect protein function. In summary, the available evidence is currently insufficient to determine the role of this variant in disease. Therefore, it has been classified as a Variant of Uncertain Significance.

Ambry Genetics
Classification: Likely benign. Last evaluated: 2024-01-08. Review status: criteria provided, single submitter. Criteria: Ambry Variant Classification Scheme 2023. Collection method: clinical testing. Allele origin: germline.